The following is an entry in ClinVar:

NM_002633.3(PGM1):c.1495C>T (p.Arg499Ter)

Gene: PGM1 (phosphoglucomutase 1; plus strand). Cytogenetic location: 1p31.3.
Variant type: single nucleotide variant.
Coding change: c.1495C>T on transcript NM_002633.3 (MANE Select); coding-DNA position 1495, C replaced by T.
Protein change: p.Arg499Ter; replaces arginine 499 with a stop codon.
Molecular consequence: nonsense.
Genome position (GRCh38, 1-based): chr1:63,654,362, C>T. VCF-style: chr1-63654362-C-T. GRCh37 (hg19) VCF-style: chr1-64120033-C-T.
Other names: c.1495C>T (NM_002633.2); c.904C>T, p.Arg302Ter (NM_001172819.2); c.1549C>T, p.Arg517Ter (NM_001172818.1); short protein forms R302*, R499*, R517*.
Identifiers: ClinVar variation 976429 (VCV000976429.11), dbSNP rs745993071, ClinGen allele CA889870.

ClinVar aggregate classification (germline): Pathogenic/Likely pathogenic. Review status: criteria provided, multiple submitters, no conflicts (2 of 4 stars). 5 submissions from 5 submitters: Pathogenic (4); Likely pathogenic (1). Last evaluated 2025-11-25.

Conditions:
PGM1-related disorder. Also called: PGM1-related disorders; PGM1-related condition.
PGM1-congenital disorder of glycosylation. Also called: CDG It; PHOSPHOGLUCOMUTASE 1 DEFICIENCY; PGM1 DEFICIENCY; GLYCOGEN STORAGE DISEASE XIV; Congenital disorder of glycosylation type 1t; GSD XIV. Identifiers: Orphanet 319646, MedGen C2752015, MONDO:0013968, OMIM 614921.

Allele frequency attached by ClinVar (database versions not stated): gnomAD exomes below 0.00001; ExAC 0.00001; gnomAD 0.00001.
gnomAD v4.1: 7 of 1,613,900 alleles (0.00043%); highest among the groups gnomAD compares: African/African-American, 0.0013%; no homozygotes.

Submissions (5):

PreventionGenetics, part of Exact Sciences
Classification: Pathogenic for PGM1-related condition. Last evaluated: 2025-11-25. Review status: criteria provided, single submitter. Criteria: ACMG Guidelines, 2015. Collection method: clinical testing. Allele origin: germline.
Comment: The PGM1 c.1495C>T variant is predicted to result in premature protein termination (p.Arg499*). This variant was reported in the compound heterozygous state in individuals phosphoglucomutase deficiency (see, for example, Tegtmeyer et al. 2014. PubMed ID: 24499211). This variant is reported in 0.00088% of alleles in individuals of European (Non-Finnish) descent in gnomAD. Nonsense variants in PGM1 are expected to be pathogenic. This variant is interpreted as pathogenic.

Labcorp Genetics (formerly Invitae), Labcorp
Classification: Pathogenic for PGM1-congenital disorder of glycosylation. Last evaluated: 2025-10-28. Review status: criteria provided, single submitter. Criteria: Invitae Variant Classification Sherloc (09022015). Collection method: clinical testing. Allele origin: germline.
Comment: This sequence change creates a premature translational stop signal (p.Arg499*) in the PGM1 gene. It is expected to result in an absent or disrupted protein product. Loss-of-function variants in PGM1 are known to be pathogenic (PMID: 22492991). This variant is present in population databases (rs745993071, gnomAD 0.0009%). This premature translational stop signal has been observed in individual(s) with phosphoglucomutase deficiency (PMID: 24499211). ClinVar contains an entry for this variant (Variation ID: 976429). For these reasons, this variant has been classified as Pathogenic.

Institute of Human Genetics, University of Leipzig Medical Center
Classification: Likely pathogenic for PGM1-congenital disorder of glycosylation. Last evaluated: 2019-02-16. Review status: criteria provided, single submitter. Criteria: ACMG Guidelines, 2015. Collection method: clinical testing. Allele origin: germline. Affected: yes. Observed: 1 variant allele.

Equipe Genetique des Anomalies du Developpement, Université de Bourgogne
Classification: Pathogenic for PGM1-congenital disorder of glycosylation. Review status: criteria provided, single submitter. Criteria: ACMG Guidelines, 2015. Collection method: clinical testing. Allele origin: maternal. Affected: yes.

Juno Genomics, Hangzhou Juno Genomics, Inc
Classification: Pathogenic for PGM1-congenital disorder of glycosylation. Review status: criteria provided, single submitter. Criteria: ACMG Guidelines, 2015. Collection method: clinical testing. Allele origin: germline. Affected: yes.
Comment: Absent from controls (or at extremely low frequency if recessive) in Genome Aggregation Database, Exome Sequencing Project, 1000 Genomes Project, or Exome Aggregation Consortium.;Null variant in a gene where loss of function (LOF) is a known mechanism of disease.;For recessive disorders, detected in trans with a pathogenic variant.;Patient's phenotype or family history is highly specific for a disease with a single genetic etiology.

Literature cited by the submitters: PubMed 22492991 (cited by Labcorp Genetics (formerly Invitae), Labcorp); PubMed 24499211 (cited by Labcorp Genetics (formerly Invitae), Labcorp); PubMed 34782754 (cited by Equipe Genetique des Anomalies du Developpement, Université de Bourgogne).